The following is an entry in ClinVar:

ClinVar aggregate classification (germline): Uncertain significance (1 of 4 stars; one submission).

Submission:

GeneDx
Classification: Uncertain significance. Last evaluated: 2024-12-06. Review status: criteria provided, single submitter. Criteria: GeneDx Variant Classification Process June 2021. Collection method: clinical testing. Allele origin: germline. Affected: yes.
Comment: Frameshift variant predicted to result in protein truncation or nonsense mediated decay in a gene or region of a gene for which loss of function is not a well-established mechanism of disease; Not observed at significant frequency in large population cohorts (gnomAD); Has not been previously published as pathogenic or benign to our knowledge

NM_003036.4(SKI):c.1577del (p.Pro526fs)

Gene: SKI (SKI proto-oncogene; plus strand). Cytogenetic location: 1p36.32.
Variant type: Deletion.
Coding change: c.1577del on transcript NM_003036.4 (MANE Select); coding-DNA position 1577, one base deleted (C; older notation c.1577delC).
Protein change: p.Pro526fs; shifts the reading frame from proline 526.
Molecular consequence: frameshift variant.
Genome position (GRCh38, 1-based): chr1:2,304,395, C deleted; the last of 3 consecutive C bases (chr1:2,304,393-2,304,395); deleting any one gives the same sequence. VCF-style (leftmost placement, unchanged base first): chr1-2304392-TC-T. GRCh37 (hg19) VCF-style: chr1-2235831-TC-T.
Other names: short protein forms P526fs.
Identifiers: ClinVar variation 3901690 (VCV003901690.1).
Genomic context (GRCh38, chr1:2,304,392, plus strand): 5'-CCTCATCCAGCTCCGCCAAGGACCTGGGCTCCCCGGGTGCGCGTGCCCTGCCCTCGGCCG[TC>T]CCTGATGCTGCGGCCCCTGCCGACGCCCCCAGTGGGCTGGAGGCGGAGCTGGAGCACCTG-3'